The following is an entry in ClinVar:

NM_001080477.4(TENM3):c.8013C>T (p.Tyr2671=)

Gene: TENM3 (teneurin transmembrane protein 3; plus strand). Cytogenetic location: 4q35.1.
Variant type: single nucleotide variant.
Coding change: c.8013C>T on transcript NM_001080477.4 (MANE Select); coding-DNA position 8013, C replaced by T.
Protein change: p.Tyr2671=; no amino-acid change (tyrosine 2671 retained).
Molecular consequence: synonymous variant.
Genome position (GRCh38, 1-based): chr4:182,800,264, C>T. VCF-style: chr4-182800264-C-T. GRCh37 (hg19) VCF-style: chr4-183721417-C-T.
Other names: c.7245C>T, p.Tyr2415= (NM_001415960.1); c.7218C>T, p.Tyr2406= (NM_001415961.1); c.7215C>T, p.Tyr2405= (NM_001415962.1); c.7197C>T, p.Tyr2399= (NM_001415963.1); c.7194C>T, p.Tyr2398= (NM_001415964.1); c.7731C>T, p.Tyr2577= (NM_001415966.1); c.7755C>T, p.Tyr2585= (NM_001415967.1); c.8031C>T, p.Tyr2677= (NM_001415968.1); and 4 more.
Identifiers: ClinVar variation 3054298 (VCV003054298.2), dbSNP rs749761005, ClinGen allele CA111784941.

ClinVar aggregate classification (germline): Likely benign (0 of 4 stars; one submission).

Conditions:
TENM3-related disorder. Also called: TENM3-related condition.

gnomAD v4.1: 3 of 1,594,186 alleles (0.00019%); highest among the groups gnomAD compares: Admixed American, 0.0017%; no homozygotes.

Submission:

PreventionGenetics, part of Exact Sciences
Classification: Likely benign for TENM3-related condition. Last evaluated: 2020-05-11. Review status: no assertion criteria provided. Collection method: clinical testing. Allele origin: germline.
Comment: This variant is classified as likely benign based on ACMG/AMP sequence variant interpretation guidelines (Richards et al. 2015 PMID: 25741868, with internal and published modifications).